The following is an entry in ClinVar:

ClinVar aggregate classification (germline): Uncertain significance (1 of 4 stars; one submission).

Conditions:
HNRNPH1-related disorder. Also called: HNRNPH1-related condition.

gnomAD v4.1: 1 of 1,480,406 alleles (0.000068%); highest among the groups gnomAD compares: African/African-American, 0.0014%; no homozygotes.

Submission:

PreventionGenetics, part of Exact Sciences
Classification: Uncertain significance for HNRNPH1-related condition. Last evaluated: 2026-03-06. Review status: criteria provided, single submitter. Criteria: ACMG Guidelines, 2015. Collection method: clinical testing. Allele origin: germline.
Comment: The HNRNPH1 c.1412G>C variant is predicted to result in the amino acid substitution p.Gly471Ala. To our knowledge, this variant has not been reported in the literature. This variant is reported in 0.015% of alleles in individuals of African descent in gnomAD v2 (as displayed in the table above). However, in gnomAD v4 (available only on GRCh38), this variant is only observed in 1 of 1,480,406 total alleles. At this time, the clinical significance of this variant is uncertain due to the absence of conclusive functional and genetic evidence.

NM_001257293.2(HNRNPH1):c.*112G>C

Genes: HNRNPH1 (heterogeneous nuclear ribonucleoprotein H1; minus strand), LOC128966623 (uncharacterized LOC128966623; plus strand). Cytogenetic location: 5q35.3.
Variant type: single nucleotide variant.
Coding change: c.*112G>C on transcript NM_001257293.2 (MANE Select); 112 bases downstream of the stop codon, G replaced by C.
Molecular consequence: 3 prime UTR variant. On other transcripts: missense variant (16).
Genome position (GRCh38, 1-based): chr5:179,614,848, C>G on the plus strand (G>C on the coding strand, the complement: HNRNPH1 is on the minus strand). VCF-style: chr5-179614848-C-G. GRCh37 (hg19) VCF-style: chr5-179041849-C-G.
Other names: c.*112G>C (NM_001363572.2, NM_001364231.2, NM_001364233.2 and 32 more transcripts); c.1412G>C, p.Gly471Ala (NM_001364225.2, NM_001364226.2, NM_001364227.2 and 2 more transcripts); c.1352G>C, p.Gly451Ala (NM_001364230.2, NM_001364232.2, NM_001395177.1); c.1331G>C, p.Gly444Ala (NM_001364240.2); c.809G>C, p.Gly270Ala (NM_001364251.2, NM_001364252.2, NM_001364253.2); c.1403G>C, p.Gly468Ala (NM_001395178.1); c.1391G>C, p.Gly464Ala (NM_001395179.1, NM_001395180.1); c.1382G>C, p.Gly461Ala (NM_001395181.1); short protein forms G464A, G471A, G270A, G461A, G468A, G444A, G451A.
Identifiers: ClinVar variation 4998378 (VCV004998378.1).